The following is an entry in ClinVar:

NM_033118.4(MYLK2):c.1006C>G (p.Gln336Glu)

Gene: MYLK2 (myosin light chain kinase 2; plus strand). Cytogenetic location: 20q11.21.
Variant type: single nucleotide variant.
Coding change: c.1006C>G on transcript NM_033118.4 (MANE Select); coding-DNA position 1006, C replaced by G.
Protein change: p.Gln336Glu; replaces glutamine 336 with glutamic acid.
Molecular consequence: missense variant.
Genome position (GRCh38, 1-based): chr20:31,826,638, C>G. VCF-style: chr20-31826638-C-G. GRCh37 (hg19) VCF-style: chr20-30414441-C-G.
Other names: short protein forms Q336E.
Identifiers: ClinVar variation 1523007 (VCV001523007.8), dbSNP rs2123134566, ClinGen allele CA408526891.

ClinVar aggregate classification (germline): Uncertain significance (1 of 4 stars; one submission).

Conditions:
Hypertrophic cardiomyopathy 1 (CMH1). Also called: Familial hypertrophic cardiomyopathy 1; MYH7-Related Familial Hypertrophic Cardiomyopathy. Identifiers: MedGen C3495498, MONDO:0008647, OMIM 192600.

Submission:

Labcorp Genetics (formerly Invitae), Labcorp
Classification: Uncertain significance for Hypertrophic cardiomyopathy 1. Last evaluated: 2021-06-02. Review status: criteria provided, single submitter. Criteria: Invitae Variant Classification Sherloc (09022015). Collection method: clinical testing. Allele origin: germline.
Comment: In summary, the available evidence is currently insufficient to determine the role of this variant in disease. Therefore, it has been classified as a Variant of Uncertain Significance. Algorithms developed to predict the effect of missense changes on protein structure and function are either unavailable or do not agree on the potential impact of this missense change (SIFT: "Tolerated"; PolyPhen-2: "Possibly Damaging"; Align-GVGD: "Class C0"). This variant has not been reported in the literature in individuals with MYLK2-related conditions. This variant is not present in population databases (ExAC no frequency). This sequence change replaces glutamine with glutamic acid at codon 336 of the MYLK2 protein (p.Gln336Glu). The glutamine residue is highly conserved and there is a small physicochemical difference between glutamine and glutamic acid.